The following is an entry in ClinVar:

NM_000446.7(PON1):c.261G>A (p.Leu87=)

Gene: PON1 (paraoxonase 1; minus strand). Cytogenetic location: 7q21.3.
Variant type: single nucleotide variant.
Coding change: c.261G>A on transcript NM_000446.7 (MANE Select); coding-DNA position 261, G replaced by A.
Protein change: p.Leu87=; no amino-acid change (leucine 87 retained).
Molecular consequence: synonymous variant.
Genome position (GRCh38, 1-based): chr7:95,315,431, C>T on the plus strand (G>A on the coding strand, the complement: PON1 is on the minus strand). VCF-style: chr7-95315431-C-T. GRCh37 (hg19) VCF-style: chr7-94944743-C-T.
Identifiers: ClinVar variation 3033462 (VCV003033462.2), dbSNP rs140286786, ClinGen allele CA4350345.

ClinVar aggregate classification (germline): Likely benign (0 of 4 stars; one submission).

Conditions:
PON1-related disorder. Also called: PON1-related condition.

Allele frequency attached by ClinVar (database versions not stated): gnomAD exomes 0.00004; ExAC 0.00012; ESP Exome Variant Server 0.00023; gnomAD 0.00042; TOPMed 0.00054.
gnomAD v4.1: 125 of 1,613,972 alleles (0.0077%); highest among the groups gnomAD compares: African/African-American, 0.15%; 1 homozygote.

Submission:

PreventionGenetics, part of Exact Sciences
Classification: Likely benign for PON1-related condition. Last evaluated: 2019-06-18. Review status: no assertion criteria provided. Collection method: clinical testing. Allele origin: germline.
Comment: This variant is classified as likely benign based on ACMG/AMP sequence variant interpretation guidelines (Richards et al. 2015 PMID: 25741868, with internal and published modifications).